The following is an entry in ClinVar:

ClinVar aggregate classification (germline): Uncertain significance (1 of 4 stars; one submission).

Allele frequency attached by ClinVar (database versions not stated): gnomAD exomes below 0.00001.

Submission:

Labcorp Genetics (formerly Invitae), Labcorp
Classification: Uncertain significance. Last evaluated: 2022-09-07. Review status: criteria provided, single submitter. Criteria: Invitae Variant Classification Sherloc (09022015). Collection method: clinical testing. Allele origin: germline.
Comment: In summary, the available evidence is currently insufficient to determine the role of this variant in disease. Therefore, it has been classified as a Variant of Uncertain Significance. Algorithms developed to predict the effect of missense changes on protein structure and function (SIFT, PolyPhen-2, Align-GVGD) all suggest that this variant is likely to be tolerated. ClinVar contains an entry for this variant (Variation ID: 1412203). This variant has not been reported in the literature in individuals affected with GLYCTK-related conditions. This variant is present in population databases (rs527754559, gnomAD 0.0009%). This sequence change replaces histidine, which is basic and polar, with arginine, which is basic and polar, at codon 269 of the GLYCTK protein (p.His269Arg).

NM_145262.4(GLYCTK):c.806A>G (p.His269Arg)

Gene: GLYCTK (glycerate kinase; plus strand). Cytogenetic location: 3p21.2.
Variant type: single nucleotide variant.
Coding change: c.806A>G on transcript NM_145262.4 (MANE Select); coding-DNA position 806, A replaced by G.
Protein change: p.His269Arg; replaces histidine 269 with arginine.
Molecular consequence: missense variant. On other transcripts: synonymous variant (1), non-coding transcript variant (3).
Genome position (GRCh38, 1-based): chr3:52,292,360, A>G. VCF-style: chr3-52292360-A-G. GRCh37 (hg19) VCF-style: chr3-52326376-A-G.
Other names: c.630A>G, p.Ala210= (NM_001144951.2); short protein forms H269R.
Identifiers: ClinVar variation 1412203 (VCV001412203.6), dbSNP rs527754559, ClinGen allele CA2432184.
Genomic context (GRCh38, chr3:52,292,360, plus strand): 5'-TGGAGGTGATTGCCAGTGGCCCCACCGTGGCCAGTTCCCACAATGTGCAAGATTGCCTGC[A>G]TATCCTCAATCGCTACGGCCTCCGTGCAGCCCTGCCACGTTCTGTGAAGACTGTGCTGTC-3'
Protein context (NP_660305.2, residues 259-279): ASSHNVQDCL[His269Arg]ILNRYGLRAA